The following is an entry in ClinVar:

NM_001128228.3(TPRN):c.320C>T (p.Pro107Leu)

Genes: TPRN (taperin; minus strand), LOC130003092 (ATAC-STARR-seq lymphoblastoid silent region 20589; plus strand). Cytogenetic location: 9q34.3.
Variant type: single nucleotide variant.
Coding change: c.320C>T on transcript NM_001128228.3 (MANE Select); coding-DNA position 320, C replaced by T.
Protein change: p.Pro107Leu; replaces proline 107 with leucine.
Molecular consequence: missense variant.
Genome position (GRCh38, 1-based): chr9:137,200,392, G>A on the plus strand (C>T on the coding strand, the complement: TPRN is on the minus strand). VCF-style: chr9-137200392-G-A. GRCh37 (hg19) VCF-style: chr9-140094844-G-A.
Other names: short protein forms P107L.
Identifiers: ClinVar variation 1800975 (VCV001800975.5), dbSNP rs999101940, ClinGen allele CA16376625.

ClinVar aggregate classification (germline): Uncertain significance. Review status: criteria provided, multiple submitters, no conflicts (2 of 4 stars). 2 submissions from 2 submitters: Uncertain significance (2). Last evaluated 2026-08-28.

Allele frequency attached by ClinVar (database versions not stated): gnomAD 0.00004; TOPMed 0.00009; gnomAD exomes 0.00028.
gnomAD v4.1: 268 of 1,097,218 alleles (0.024%); highest among the groups gnomAD compares: Non-Finnish European, 0.029%; no homozygotes.

Submissions (2):

GeneDx
Classification: Uncertain significance. Last evaluated: 2026-08-28. Review status: criteria provided, single submitter. Criteria: GeneDx Variant Classification Process June 2021. Collection method: clinical testing. Allele origin: germline.
Comment: In silico analysis suggests that this missense variant does not alter protein structure/function; Has not been previously published as pathogenic or benign to our knowledge

Labcorp Genetics (formerly Invitae), Labcorp
Classification: Uncertain significance. Last evaluated: 2022-03-20. Review status: criteria provided, single submitter. Criteria: Invitae Variant Classification Sherloc (09022015). Collection method: clinical testing. Allele origin: germline.
Comment: In summary, the available evidence is currently insufficient to determine the role of this variant in disease. Therefore, it has been classified as a Variant of Uncertain Significance. Algorithms developed to predict the effect of missense changes on protein structure and function are either unavailable or do not agree on the potential impact of this missense change (SIFT: "Deleterious"; PolyPhen-2: "Benign"; Align-GVGD: "Class C0"). This variant has not been reported in the literature in individuals affected with TPRN-related conditions. The frequency data for this variant in the population databases is considered unreliable, as metrics indicate poor data quality at this position in the gnomAD database. This sequence change replaces proline, which is neutral and non-polar, with leucine, which is neutral and non-polar, at codon 107 of the TPRN protein (p.Pro107Leu).